The following is an entry in ClinVar:

ClinVar aggregate classification (germline): Likely benign (1 of 4 stars; one submission).

Submission:

CeGaT Center for Human Genetics Tuebingen
Classification: Likely benign. Last evaluated: 2022-11-01. Review status: criteria provided, single submitter. Criteria: CeGaT Center For Human Genetics Tuebingen Variant Classification Criteria Version 2. Collection method: clinical testing. Allele origin: germline. Affected: yes. Observed: 2 variant alleles.
Comment: ATXN2: BP4, BP7

NM_001310121.1(ATXN2):c.-65+225T>C

Genes: ATXN2 (ataxin 2; minus strand), LOC130008792 (ATAC-STARR-seq lymphoblastoid silent region 4873; plus strand). Cytogenetic location: 12q24.12.
Variant type: single nucleotide variant.
Coding change: c.-65+225T>C on transcript NM_001310121.1; 225 bases into the intron after 65 bases upstream of the start codon, T replaced by C.
Molecular consequence: intron variant.
Genome position (GRCh38, 1-based): chr12:111,599,350, A>G on the plus strand (T>C on the coding strand, the complement: ATXN2 is on the minus strand). VCF-style: chr12-111599350-A-G. GRCh37 (hg19) VCF-style: chr12-112037154-A-G.
Other names: c.-28+225T>C (NM_001310123.1).
Identifiers: ClinVar variation 2643330 (VCV002643330.22), dbSNP rs1191902374, ClinGen allele CA481764993.